The following is an entry in ClinVar:

NM_001379081.2(FREM1):c.2136_2143dup (p.Ala715fs)

Gene: FREM1 (FRAS1 related extracellular matrix 1; minus strand). Cytogenetic location: 9p22.3.
Variant type: Duplication.
Coding change: c.2136_2143dup on transcript NM_001379081.2 (MANE Select); coding-DNA positions 2136 to 2143, 8 bases duplicated (TCCTACGG; older notation c.2136_2143dupTCCTACGG).
Protein change: p.Ala715fs; shifts the reading frame from alanine 715.
Molecular consequence: frameshift variant. On other transcripts: non-coding transcript variant (2).
Genome position (GRCh38, 1-based): chr9:14,824,051-14,824,058, CCGTAGGA duplicated on the plus strand (TCCTACGG on the coding strand, the reverse complement: FREM1 is on the minus strand). VCF-style (leftmost placement, unchanged base first): chr9-14824050-G-GCCGTAGGA. GRCh37 (hg19) VCF-style: chr9-14824048-G-GCCGTAGGA.
Other names: c.2136_2143dup, p.Ala715fs (NM_144966.7); short protein forms A715fs.
Identifiers: ClinVar variation 4723289 (VCV004723289.1).

ClinVar aggregate classification (germline): Pathogenic (1 of 4 stars; one submission).

Submission:

Labcorp Genetics (formerly Invitae), Labcorp
Classification: Pathogenic. Last evaluated: 2025-07-21. Review status: criteria provided, single submitter. Criteria: Invitae Variant Classification Sherloc (09022015). Collection method: clinical testing. Allele origin: germline.
Comment: This sequence change creates a premature translational stop signal (p.Ala715Valfs*7) in the FREM1 gene. It is expected to result in an absent or disrupted protein product. Loss-of-function variants in FREM1 are known to be pathogenic (PMID: 19732862, 21507892). This variant is not present in population databases (gnomAD no frequency). This variant has not been reported in the literature in individuals affected with FREM1-related conditions. For these reasons, this variant has been classified as Pathogenic.

Literature cited by the submitters: PubMed 19732862; PubMed 21507892.